The following is an entry in ClinVar:

ClinVar aggregate classification (germline): Pathogenic (1 of 4 stars; one submission).

Conditions:
Primary ciliary dyskinesia. Also called: Ciliary dyskinesia. Identifiers: Orphanet 244, MedGen C0008780, MONDO:0016575, HP:0012265.

Submission:

Labcorp Genetics (formerly Invitae), Labcorp
Classification: Pathogenic for Primary ciliary dyskinesia. Last evaluated: 2023-08-10. Review status: criteria provided, single submitter. Criteria: Invitae Variant Classification Sherloc (09022015). Collection method: clinical testing. Allele origin: germline.
Comment: This variant is not present in population databases (gnomAD no frequency). This variant has not been reported in the literature in individuals affected with DNAH5-related conditions. ClinVar contains an entry for this variant (Variation ID: 574046). For these reasons, this variant has been classified as Pathogenic. This sequence change creates a premature translational stop signal (p.Ile1127*) in the DNAH5 gene. It is expected to result in an absent or disrupted protein product. Loss-of-function variants in DNAH5 are known to be pathogenic (PMID: 11788826, 16627867).

Literature cited by the submitters: PubMed 11788826; PubMed 16627867.

NM_001369.3(DNAH5):c.3378_3379insTG (p.Ile1127Ter)

Genes: DNAH5 (dynein axonemal heavy chain 5; minus strand), DNAH5-AS1 (DNAH5 antisense RNA 1; plus strand). Cytogenetic location: 5p15.2.
Variant type: Insertion.
Coding change: c.3378_3379insTG on transcript NM_001369.3 (MANE Select); coding-DNA positions 3378 to 3379, TG inserted.
Protein change: p.Ile1127Ter; replaces isoleucine 1127 with a stop codon.
Molecular consequence: nonsense.
Genome position: GRCh38 VCF-style: chr5-13876701-T-TCA. GRCh37 (hg19) VCF-style: chr5-13876810-T-TCA.
Other names: short protein forms I1127*.
Identifiers: ClinVar variation 574046 (VCV000574046.7), dbSNP rs1561487416, ClinGen allele CA891843329.